The following is an entry in ClinVar:

ClinVar aggregate classification (germline): Uncertain significance (1 of 4 stars; one submission).

Submission:

Labcorp Genetics (formerly Invitae), Labcorp
Classification: Uncertain significance. Last evaluated: 2022-10-04. Review status: criteria provided, single submitter. Criteria: Invitae Variant Classification Sherloc (09022015). Collection method: clinical testing. Allele origin: germline.
Comment: In summary, the available evidence is currently insufficient to determine the role of this variant in disease. Therefore, it has been classified as a Variant of Uncertain Significance. Experimental studies and prediction algorithms are not available or were not evaluated, and the functional significance of this variant is currently unknown. This variant has not been reported in the literature in individuals affected with CDH23-related conditions. This variant is a gross deletion of the genomic region encompassing exon(s) 20 of the CDH23 gene. This variant would be expected to be in-frame, preserving the integrity of the reading frame.

NC_000010.10:g.(?_73450205)_(73450361_?)del

Gene: CDH23 (cadherin related 23; plus strand). Cytogenetic location: 10q22.1.
Variant type: Deletion.
Identifiers: ClinVar variation 2426723 (VCV002426723.4).